The following is an entry in ClinVar:

ClinVar aggregate classification (germline): Pathogenic (1 of 4 stars; one submission).

Conditions:
Charcot-Marie-Tooth disease type 2. Also called: Charcot-Marie-Tooth type 2. Identifiers: Orphanet 64746, MedGen C0270914, MONDO:0018993.

Submission:

Labcorp Genetics (formerly Invitae), Labcorp
Classification: Pathogenic for Charcot-Marie-Tooth disease type 2. Last evaluated: 2025-06-27. Review status: criteria provided, single submitter. Criteria: Invitae Variant Classification Sherloc (09022015). Collection method: clinical testing. Allele origin: germline.
Comment: This sequence change creates a premature translational stop signal (p.Arg275Metfs*207) in the LMNA gene. It is expected to result in an absent or disrupted protein product. Loss-of-function variants in LMNA are known to be pathogenic (PMID: 18585512, 18926329). This variant is not present in population databases (gnomAD no frequency). This variant has not been reported in the literature in individuals affected with LMNA-related conditions. For these reasons, this variant has been classified as Pathogenic.

Literature cited by the submitters: PubMed 18585512; PubMed 18926329.

NM_170707.4(LMNA):c.817_821dup (p.Arg275fs)

Gene: LMNA (lamin A/C; plus strand). Cytogenetic location: 1q22.
Variant type: Duplication.
Coding change: c.817_821dup on transcript NM_170707.4 (MANE Select); coding-DNA positions 817 to 821, 5 bases duplicated (AATGC; older notation c.817_821dupAATGC).
Protein change: p.Arg275fs; shifts the reading frame from arginine 275.
Molecular consequence: frameshift variant.
Genome position (GRCh38, 1-based): chr1:156,135,193-156,135,197, AATGC duplicated; duplicating any 5 consecutive bases within chr1:156,135,192-156,135,197 gives the same sequence; the c. name uses the placement nearest the transcript's 3' end. VCF-style (leftmost placement, unchanged base first): chr1-156135191-A-ACAATG. GRCh37 (hg19) VCF-style: chr1-156104982-A-ACAATG.
Other names: c.153_157dup, p.Pro53fs (NM_001407000.1, NM_001407001.1, NM_001406994.1 and 1 more transcripts); c.259_263dup, p.Arg89fs (NM_001407002.1, NM_001407003.1, NM_001406990.1 and 4 more transcripts); c.817_821dup, p.Arg275fs (NM_005572.4, NM_170708.4, NM_001406983.1 and 6 more transcripts); c.574_578dup, p.Arg194fs (NM_001406986.1, NM_001406987.1, NM_001282624.2); c.520_524dup, p.Arg176fs (NM_001406988.1); c.481_485dup, p.Arg163fs (NM_001406989.1, NM_001257374.3, NM_001406998.1); short protein forms P53fs, R89fs, R176fs, R275fs, R163fs, R194fs.
Identifiers: ClinVar variation 4720015 (VCV004720015.1).